The following is an entry in ClinVar:

NM_031220.4(PITPNM3):c.881G>C (p.Gly294Ala)

Gene: PITPNM3 (PITPNM family member 3; minus strand). Cytogenetic location: 17p13.2.
Variant type: single nucleotide variant.
Coding change: c.881G>C on transcript NM_031220.4 (MANE Select); coding-DNA position 881, G replaced by C.
Protein change: p.Gly294Ala; replaces glycine 294 with alanine.
Molecular consequence: missense variant.
Genome position (GRCh38, 1-based): chr17:6,477,994, C>G on the plus strand (G>C on the coding strand, the complement: PITPNM3 is on the minus strand). VCF-style: chr17-6477994-C-G. GRCh37 (hg19) VCF-style: chr17-6381314-C-G.
Other names: c.773G>C, p.Gly258Ala (NM_001165966.2); short protein forms G294A, G258A.
Identifiers: ClinVar variation 2776327 (VCV002776327.3), dbSNP rs771598616, ClinGen allele CA8329707.

ClinVar aggregate classification (germline): Uncertain significance (1 of 4 stars; one submission).

Allele frequency attached by ClinVar (database versions not stated): ExAC 0.00001; gnomAD 0.00001.
gnomAD v4.1: 2 of 1,613,248 alleles (0.00012%); highest among the groups gnomAD compares: Non-Finnish European, 0.00017%; no homozygotes.

Submission:

Labcorp Genetics (formerly Invitae), Labcorp
Classification: Uncertain significance. Last evaluated: 2023-11-20. Review status: criteria provided, single submitter. Criteria: Invitae Variant Classification Sherloc (09022015). Collection method: clinical testing. Allele origin: germline.
Comment: This sequence change replaces glycine, which is neutral and non-polar, with alanine, which is neutral and non-polar, at codon 294 of the PITPNM3 protein (p.Gly294Ala). This variant is present in population databases (rs771598616, gnomAD 0.002%). This variant has not been reported in the literature in individuals affected with PITPNM3-related conditions. Advanced modeling of protein sequence and biophysical properties (such as structural, functional, and spatial information, amino acid conservation, physicochemical variation, residue mobility, and thermodynamic stability) performed at Invitae indicates that this missense variant is not expected to disrupt PITPNM3 protein function with a negative predictive value of 80%. In summary, the available evidence is currently insufficient to determine the role of this variant in disease. Therefore, it has been classified as a Variant of Uncertain Significance.